The following is an entry in ClinVar:

NM_203288.2(RP9):c.340C>T (p.Arg114Ter)

Gene: RP9 (RP9 pre-mRNA splicing factor; minus strand). Cytogenetic location: 7p14.3.
Variant type: single nucleotide variant.
Coding change: c.340C>T on transcript NM_203288.2 (MANE Select); coding-DNA position 340, C replaced by T.
Protein change: p.Arg114Ter; replaces arginine 114 with a stop codon.
Molecular consequence: nonsense.
Genome position (GRCh38, 1-based): chr7:33,097,336, G>A on the plus strand (C>T on the coding strand, the complement: RP9 is on the minus strand). VCF-style: chr7-33097336-G-A. GRCh37 (hg19) VCF-style: chr7-33136948-G-A.
Other names: short protein forms R114*.
Identifiers: ClinVar variation 1950334 (VCV001950334.5), dbSNP rs1038654176, ClinGen allele CA156254551.
Genomic context (GRCh38, chr7:33,097,336, plus strand): 5'-TGAACTGCTCTAACTTTTGGTTGCCTTTGATAAAGAAAGGGCATTCTTTGTCACCCGTTC[G>A]GTGACCATAGCGTTTGCAACGCCAACCTAAAAACGAAAAGAGAAATATTTCTGTAAGATA-3'

ClinVar aggregate classification (germline): Uncertain significance (1 of 4 stars; one submission).

Allele frequency attached by ClinVar (database versions not stated): gnomAD exomes below 0.00001.

Submission:

Labcorp Genetics (formerly Invitae), Labcorp
Classification: Uncertain significance. Last evaluated: 2022-08-08. Review status: criteria provided, single submitter. Criteria: Invitae Variant Classification Sherloc (09022015). Collection method: clinical testing. Allele origin: germline.
Comment: In summary, the available evidence is currently insufficient to determine the role of this variant in disease. Therefore, it has been classified as a Variant of Uncertain Significance. This variant has not been reported in the literature in individuals affected with RP9-related conditions. This variant is not present in population databases (gnomAD no frequency). This sequence change creates a premature translational stop signal (p.Arg114*) in the RP9 gene. It is expected to result in an absent or disrupted protein product. However, the current clinical and genetic evidence is not sufficient to establish whether loss-of-function variants in RP9 cause disease.